The following is an entry in ClinVar:

NM_014140.4(SMARCAL1):c.1465G>A (p.Val489Met)

Gene: SMARCAL1 (SNF2 related chromatin remodeling annealing helicase 1; plus strand). Cytogenetic location: 2q35.
Variant type: single nucleotide variant.
Coding change: c.1465G>A on transcript NM_014140.4 (MANE Select); coding-DNA position 1465, G replaced by A.
Protein change: p.Val489Met; replaces valine 489 with methionine.
Molecular consequence: missense variant.
Genome position (GRCh38, 1-based): chr2:216,432,848, G>A. VCF-style: chr2-216432848-G-A. GRCh37 (hg19) VCF-style: chr2-217297571-G-A.
Other names: c.1465G>A, p.Val489Met (NM_001127207.2); c.1465G>A (NM_014140.3); short protein forms V489M.
Identifiers: ClinVar variation 1409588 (VCV001409588.6), dbSNP rs745494010, ClinGen allele CA2097888.
Genomic context (GRCh38, chr2:216,432,848, plus strand): 5'-ATCTGCATCGCAGCCTTTTACCGGAAGGAGTGGCCGCTCCTGGTGGTGGTGCCATCCTCC[G>A]TGCGCTTCACCTGGGAGCAGGTTAATGGTCTTCAAATTGCAGTTTTCACAGAGAAGGTTT-3'
Protein context (NP_054859.2, residues 479-499): WPLLVVVPSS[Val489Met]RFTWEQAFLR

ClinVar aggregate classification (germline): Uncertain significance. Review status: criteria provided, multiple submitters, no conflicts (2 of 4 stars). 2 submissions from 2 submitters: Uncertain significance (2). Last evaluated 2025-08-02.

Conditions:
Inborn genetic diseases. Identifiers: MedGen C0950123, MeSH D030342.
Schimke immuno-osseous dysplasia (SIOD). Also called: Schimke Immunoosseous Dysplasia. Identifiers: Orphanet 1830, MedGen C0877024, MONDO:0009458, OMIM 242900.

Allele frequency attached by ClinVar (database versions not stated): ExAC 0.00001; gnomAD exomes 0.00001; TOPMed 0.00001.
gnomAD v4.1: 6 of 1,614,222 alleles (0.00037%); highest among the groups gnomAD compares: East Asian, 0.0022%; no homozygotes.

Submissions (2):

Ambry Genetics
Classification: Uncertain significance for Inborn genetic diseases. Last evaluated: 2025-08-02. Review status: criteria provided, single submitter. Criteria: Ambry Variant Classification Scheme 2023. Collection method: clinical testing. Allele origin: germline.

Labcorp Genetics (formerly Invitae), Labcorp
Classification: Uncertain significance for Schimke immuno-osseous dysplasia. Last evaluated: 2022-05-31. Review status: criteria provided, single submitter. Criteria: Invitae Variant Classification Sherloc (09022015). Collection method: clinical testing. Allele origin: germline.
Comment: This sequence change replaces valine, which is neutral and non-polar, with methionine, which is neutral and non-polar, at codon 489 of the SMARCAL1 protein (p.Val489Met). This variant is present in population databases (rs745494010, gnomAD 0.003%). This variant has not been reported in the literature in individuals affected with SMARCAL1-related conditions. ClinVar contains an entry for this variant (Variation ID: 1409588). Algorithms developed to predict the effect of missense changes on protein structure and function are either unavailable or do not agree on the potential impact of this missense change (SIFT: "Deleterious"; PolyPhen-2: "Probably Damaging"; Align-GVGD: "Class C0"). In summary, the available evidence is currently insufficient to determine the role of this variant in disease. Therefore, it has been classified as a Variant of Uncertain Significance.